The following is an entry in ClinVar:

ClinVar aggregate classification (germline): Uncertain significance (1 of 4 stars; one submission).

Conditions:
Kabuki syndrome. Also called: NIIKAWA-KUROKI SYNDROME; Kabuki make-up syndrome. Identifiers: Orphanet 2322, MedGen C0796004, MONDO:0016512.

gnomAD v4.1: 2 of 1,554,094 alleles (0.00013%); highest among the groups gnomAD compares: Non-Finnish European, 0.00017%; no homozygotes.

Submission:

Labcorp Genetics (formerly Invitae), Labcorp
Classification: Uncertain significance for Kabuki syndrome. Last evaluated: 2024-05-13. Review status: criteria provided, single submitter. Criteria: Invitae Variant Classification Sherloc (09022015). Collection method: clinical testing. Allele origin: germline.
Comment: This sequence change replaces glutamine, which is neutral and polar, with arginine, which is basic and polar, at codon 3609 of the KMT2D protein (p.Gln3609Arg). This variant is not present in population databases (gnomAD no frequency). This variant has not been reported in the literature in individuals affected with KMT2D-related conditions. Advanced modeling of protein sequence and biophysical properties (such as structural, functional, and spatial information, amino acid conservation, physicochemical variation, residue mobility, and thermodynamic stability) performed at Invitae indicates that this missense variant is not expected to disrupt KMT2D protein function with a negative predictive value of 95%. In summary, the available evidence is currently insufficient to determine the role of this variant in disease. Therefore, it has been classified as a Variant of Uncertain Significance.

NM_003482.4(KMT2D):c.10826A>G (p.Gln3609Arg)

Gene: KMT2D (lysine methyltransferase 2D; minus strand). Cytogenetic location: 12q13.12.
Variant type: single nucleotide variant.
Coding change: c.10826A>G on transcript NM_003482.4 (MANE Select); coding-DNA position 10826, A replaced by G.
Protein change: p.Gln3609Arg; replaces glutamine 3609 with arginine.
Molecular consequence: missense variant.
Genome position (GRCh38, 1-based): chr12:49,033,879, T>C on the plus strand (A>G on the coding strand, the complement: KMT2D is on the minus strand). VCF-style: chr12-49033879-T-C. GRCh37 (hg19) VCF-style: chr12-49427662-T-C.
Other names: short protein forms Q3609R.
Identifiers: ClinVar variation 3615663 (VCV003615663.2).